The following is an entry in ClinVar:

ClinVar aggregate classification (germline): Uncertain significance (1 of 4 stars; one submission).

Allele frequency attached by ClinVar (database versions not stated): gnomAD exomes below 0.00001; TOPMed 0.00001.
gnomAD v4.1: 1 of 1,614,088 alleles (0.000062%); highest among the groups gnomAD compares: Non-Finnish European, 0.000085%; no homozygotes.

Submission:

Labcorp Genetics (formerly Invitae), Labcorp
Classification: Uncertain significance. Last evaluated: 2021-03-05. Review status: criteria provided, single submitter. Criteria: Invitae Variant Classification Sherloc (09022015). Collection method: clinical testing. Allele origin: germline.
Comment: In summary, the available evidence is currently insufficient to determine the role of this variant in disease. Therefore, it has been classified as a Variant of Uncertain Significance. Algorithms developed to predict the effect of missense changes on protein structure and function are either unavailable or do not agree on the potential impact of this missense change (SIFT: "Not Available"; PolyPhen-2: "Possibly Damaging"; Align-GVGD: "Not Available"). This variant has not been reported in the literature in individuals with CDH3-related conditions. This variant is not present in population databases (ExAC no frequency). This sequence change replaces leucine with tryptophan at codon 675 of the CDH3 protein (p.Leu675Trp). The leucine residue is highly conserved and there is a small physicochemical difference between leucine and tryptophan.

NM_001793.6(CDH3):c.2024T>G (p.Leu675Trp)

Gene: CDH3 (cadherin 3; plus strand). Cytogenetic location: 16q22.1.
Variant type: single nucleotide variant.
Coding change: c.2024T>G on transcript NM_001793.6 (MANE Select); coding-DNA position 2024, T replaced by G.
Protein change: p.Leu675Trp; replaces leucine 675 with tryptophan.
Molecular consequence: missense variant.
Genome position (GRCh38, 1-based): chr16:68,695,276, T>G. VCF-style: chr16-68695276-T-G. GRCh37 (hg19) VCF-style: chr16-68729179-T-G.
Other names: c.2024T>G, p.Leu675Trp (NM_001317195.3); c.1859T>G, p.Leu620Trp (NM_001317196.2); short protein forms L620W, L675W.
Identifiers: ClinVar variation 843893 (VCV000843893.8), dbSNP rs1961684357, ClinGen allele CA396455906.